The following is an entry in ClinVar:

ClinVar aggregate classification (germline): Pathogenic (1 of 4 stars; one submission).

Conditions:
Peroxisome biogenesis disorder. Identifiers: Orphanet 79189, MedGen C1832200, MONDO:0019234. Disease mechanism: loss of function.

Submission:

Myriad Genetics, Inc.
Classification: Pathogenic for Peroxisome biogenesis disorder. Last evaluated: 2023-09-27. Review status: criteria provided, single submitter. Criteria: Myriad Autosomal Dominant, Autosomal Recessive and X-Linked Classification Criteria (2023). Collection method: clinical testing. Allele origin: unknown.
Comment: NM_000287.3(PEX6):c.2254dupC(L752Pfs*9) is expected to be pathogenic in the context of peroxisome biogenesis disorder type 4. This variant is predicted to lead to an abnormal or absent protein product due to the creation of a premature termination codon in PEX6, a gene where loss-of-function variants are known to be pathogenic. Please note: this variant was assessed in the context of healthy population screening.

NM_000287.4(PEX6):c.2254dup (p.Leu752fs)

Gene: PEX6 (peroxisomal biogenesis factor 6; minus strand). Cytogenetic location: 6p21.1.
Variant type: Duplication.
Coding change: c.2254dup on transcript NM_000287.4 (MANE Select); coding-DNA position 2254, one base duplicated (C; older notation c.2254dupC).
Protein change: p.Leu752fs; shifts the reading frame from leucine 752.
Molecular consequence: frameshift variant.
Genome position (GRCh38, 1-based): chr6:42,966,288, G duplicated on the plus strand (C on the coding strand, the reverse complement: PEX6 is on the minus strand); the first of 3 consecutive G bases (chr6:42,966,288-42,966,290); duplicating any one gives the same sequence. VCF-style (leftmost placement, unchanged base first): chr6-42966287-A-AG. GRCh37 (hg19) VCF-style: chr6-42934025-A-AG.
Other names: c.1990dup, p.Leu664fs (NM_001316313.2); short protein forms L664fs, L752fs.
Identifiers: ClinVar variation 5011854 (VCV005011854.1).